The following is an entry in ClinVar:

NM_000489.6(ATRX):c.3122A>T (p.Asp1041Val)

Gene: ATRX (ATRX chromatin remodeler; minus strand). Cytogenetic location: Xq21.1.
Variant type: single nucleotide variant.
Coding change: c.3122A>T on transcript NM_000489.6 (MANE Select); coding-DNA position 3122, A replaced by T.
Protein change: p.Asp1041Val; replaces aspartic acid 1041 with valine.
Molecular consequence: missense variant.
Genome position (GRCh38, 1-based): chrX:77,682,134, T>A on the plus strand (A>T on the coding strand, the complement: ATRX is on the minus strand). VCF-style: chrX-77682134-T-A. GRCh37 (hg19) VCF-style: chrX-76937626-T-A.
Other names: c.3008A>T, p.Asp1003Val (NM_138270.5); c.3122A>T (NM_000489.3); short protein forms D1041V, D1003V.
Identifiers: ClinVar variation 2201936 (VCV002201936.7), dbSNP rs1412505197, ClinGen allele CA413707861.

ClinVar aggregate classification (germline): Conflicting classifications of pathogenicity. Review status: criteria provided, conflicting classifications (1 of 4 stars). 4 submissions from 4 submitters: Uncertain significance (3); Likely benign (1). Last evaluated 2025-11-14.

Conditions:
Alpha thalassemia-X-linked intellectual disability syndrome (ATRX). Also called: ALPHA-THALASSEMIA/MENTAL RETARDATION SYNDROME, X-LINKED; ATR, NONDELETION TYPE; ATR-X syndrome; Alpha thalassemia mental retardation syndrome, nondeletion type, X-linked; XLMR hypotonic face syndrome; X-linked alpha-thalassemia-mental retardation syndrome. Identifiers: Orphanet 847, MedGen C1845055, MONDO:0010519, OMIM 301040.
Intellectual disability-hypotonic facies syndrome, X-linked, 1 (MRXHF1). Also called: XLMR-HYPOTONIC FACIES SYNDROME; Smith Fineman Myers syndrome 1; X-linked intellectual disability-hypotonic face syndrome; HOLMES-GANG SYNDROME; CHUDLEY-LOWRY SYNDROME; Chudley syndrome 1. Identifiers: Orphanet 73220, Orphanet 93970, Orphanet 93971, Orphanet 93972, Orphanet 93973, Orphanet 93974, Orphanet 93975, MedGen C4759781, MONDO:0010663, OMIM 309580.
Acquired hemoglobin H disease (ATMDS). Also called: Alpha-thalassemia myelodysplasia syndrome; Alpha-thalassemia-myelodysplastic syndrome; Alpha-thalassemia myelodysplasia syndrome, somatic. Identifiers: Orphanet 231401, MedGen C0585216, MONDO:0010328, OMIM 300448.
Inborn genetic diseases. Identifiers: MedGen C0950123, MeSH D030342.

Allele frequency attached by ClinVar (database versions not stated): gnomAD exomes below 0.00001; gnomAD 0.00005; TOPMed 0.00008.
gnomAD v4.1: 7 of 1,209,237 alleles (0.00058%); highest among the groups gnomAD compares: Admixed American, 0.015%; no homozygotes.

Submissions (4):

Labcorp Genetics (formerly Invitae), Labcorp
Classification: Likely benign for Alpha thalassemia-X-linked intellectual disability syndrome. Last evaluated: 2025-11-14. Review status: criteria provided, single submitter. Criteria: Invitae Variant Classification Sherloc (09022015). Collection method: clinical testing. Allele origin: germline.

Ambry Genetics
Classification: Uncertain significance for Inborn genetic diseases. Last evaluated: 2024-04-23. Review status: criteria provided, single submitter. Criteria: Ambry Variant Classification Scheme 2023. Collection method: clinical testing. Allele origin: germline.

Fulgent Genetics
Classification: Uncertain significance for Acquired hemoglobin H disease; Alpha thalassemia-X-linked intellectual disability syndrome; Intellectual disability-hypotonic facies syndrome, X-linked, 1. Last evaluated: 2024-01-09. Review status: criteria provided, single submitter. Criteria: ACMG Guidelines, 2015. Collection method: clinical testing. Allele origin: germline.

GeneDx
Classification: Uncertain significance. Last evaluated: 2023-05-22. Review status: criteria provided, single submitter. Criteria: GeneDx Variant Classification Process June 2021. Collection method: clinical testing. Allele origin: germline. Affected: yes.
Comment: In silico analysis supports that this missense variant has a deleterious effect on protein structure/function; Has not been previously published as pathogenic or benign to our knowledge